The following is an entry in ClinVar:

NM_003394.4(WNT10B):c.661C>T (p.Arg221Trp)

Gene: WNT10B (Wnt family member 10B; minus strand). Cytogenetic location: 12q13.12.
Variant type: single nucleotide variant.
Coding change: c.661C>T on transcript NM_003394.4 (MANE Select); coding-DNA position 661, C replaced by T.
Protein change: p.Arg221Trp; replaces arginine 221 with tryptophan.
Molecular consequence: missense variant.
Genome position (GRCh38, 1-based): chr12:48,967,996, G>A on the plus strand (C>T on the coding strand, the complement: WNT10B is on the minus strand). VCF-style: chr12-48967996-G-A. GRCh37 (hg19) VCF-style: chr12-49361779-G-A.
Other names: short protein forms R221W.
Identifiers: ClinVar variation 3356956 (VCV003356956.1).

ClinVar aggregate classification (germline): Uncertain significance (0 of 4 stars; one submission).

Conditions:
WNT10B-related disorder. Also called: WNT10B-related condition.

gnomAD v4.1: 21 of 1,614,076 alleles (0.0013%); highest among the groups gnomAD compares: Admixed American, 0.017%; no homozygotes.

Submission:

PreventionGenetics, part of Exact Sciences
Classification: Uncertain significance for WNT10B-related condition. Last evaluated: 2024-03-27. Review status: no assertion criteria provided. Collection method: clinical testing. Allele origin: germline.
Comment: The WNT10B c.661C>T variant is predicted to result in the amino acid substitution p.Arg221Trp. This variant along with a second variant in this gene was reported in an individual with split hand/foot malformation (eTable 3, Meng et al. 2017. PubMed ID: 28973083). This variant is reported in 0.017% of alleles in individuals of Latino descent in gnomAD. At this time, the clinical significance of this variant is uncertain due to the absence of conclusive functional and genetic evidence.